The following is an entry in ClinVar:

NM_001042492.3(NF1):c.6922-2A>T

Gene: NF1 (neurofibromin 1; plus strand). Cytogenetic location: 17q11.2.
Variant type: single nucleotide variant.
Coding change: c.6922-2A>T on transcript NM_001042492.3 (MANE Select); the canonical splice acceptor site of the intron before coding-DNA position 6922, A replaced by T.
Molecular consequence: splice acceptor variant.
Genome position (GRCh38, 1-based): chr17:31,340,503, A>T. VCF-style: chr17-31340503-A-T. GRCh37 (hg19) VCF-style: chr17-29667521-A-T.
Other names: c.6859-2A>T (NM_000267.4).
Identifiers: ClinVar variation 1453524 (VCV001453524.24), dbSNP rs864622509, ClinGen allele CA399014836.

ClinVar aggregate classification (germline): Pathogenic. Review status: criteria provided, multiple submitters, no conflicts (2 of 4 stars). 2 submissions from 2 submitters: Pathogenic (2). Last evaluated 2024-08-01.

Conditions:
Neurofibromatosis, type 1 (NF1). Also called: Peripheral type neurofibromatosis; Neurofibromatosis, type I; NEUROFIBROMATOSIS, TYPE I, SOMATIC; VON RECKLINGHAUSEN DISEASE. Identifiers: Orphanet 636, MedGen C0027831, MONDO:0018975, OMIM 162200. Disease mechanism: loss of function.

Submissions (2):

CeGaT Center for Human Genetics Tuebingen
Classification: Pathogenic. Last evaluated: 2024-08-01. Review status: criteria provided, single submitter. Criteria: CeGaT Center For Human Genetics Tuebingen Variant Classification Criteria Version 2. Collection method: clinical testing. Allele origin: germline. Affected: yes. Observed: 1 variant allele.
Comment: NF1: PVS1:Strong, PM2, PM6, PS1:Supporting, PS4:Supporting

Labcorp Genetics (formerly Invitae), Labcorp
Classification: Pathogenic for Neurofibromatosis, type 1. Last evaluated: 2023-05-22. Review status: criteria provided, single submitter. Criteria: Invitae Variant Classification Sherloc (09022015). Collection method: clinical testing. Allele origin: germline.
Comment: For these reasons, this variant has been classified as Pathogenic. This sequence change affects an acceptor splice site in intron 45 of the NF1 gene. It is expected to disrupt RNA splicing. Variants that disrupt the donor or acceptor splice site typically lead to a loss of protein function (PMID: 16199547), and loss-of-function variants in NF1 are known to be pathogenic (PMID: 10712197, 23913538). This variant is not present in population databases (gnomAD no frequency). Disruption of this splice site has been observed in individual(s) with clinical features of neurofibromatosis, type 1 (Invitae). ClinVar contains an entry for this variant (Variation ID: 1453524). Algorithms developed to predict the effect of sequence changes on RNA splicing suggest that this variant may disrupt the consensus splice site.

Literature cited by the submitters: PubMed 16199547 (cited by Labcorp Genetics (formerly Invitae), Labcorp); PubMed 10712197 (cited by Labcorp Genetics (formerly Invitae), Labcorp); PubMed 23913538 (cited by Labcorp Genetics (formerly Invitae), Labcorp).